The following is an entry in ClinVar:

NM_005267.5(GJA8):c.151G>C (p.Asp51His)

Gene: GJA8 (gap junction protein alpha 8; plus strand). Cytogenetic location: 1q21.2.
Variant type: single nucleotide variant.
Coding change: c.151G>C on transcript NM_005267.5 (MANE Select); coding-DNA position 151, G replaced by C.
Protein change: p.Asp51His; replaces aspartic acid 51 with histidine.
Molecular consequence: missense variant.
Genome position (GRCh38, 1-based): chr1:147,908,106, G>C. VCF-style: chr1-147908106-G-C. GRCh37 (hg19) VCF-style: chr1-147380233-G-C.
Other names: short protein forms D51H.
Identifiers: ClinVar variation 446264 (VCV000446264.4), dbSNP rs864309703, ClinGen allele CA501183.
Genomic context (GRCh38, chr1:147,908,106, plus strand): 5'-ATCTTCCGGATCCTCATCCTTGGCACGGCCGCAGAGTTCGTGTGGGGGGATGAGCAATCC[G>C]ACTTCGTGTGCAACACCCAGCAGCCTGGCTGCGAGAACGTCTGCTACGACGAGGCCTTTC-3'
Protein context (NP_005258.2, residues 41-61): AEFVWGDEQS[Asp51His]FVCNTQQPGC

ClinVar aggregate classification (germline): Uncertain significance. Review status: criteria provided, single submitter (1 of 4 stars). 2 submissions from 1 submitter: Uncertain significance (1). 1 of the submissions does not count toward it. Last evaluated 2016-09-21.

Conditions:
Microphthalmia and cataract.
Cataract 1 multiple types. Also called: CATARACT, DUFFY-LINKED; CATARACT 1, POSTERIOR SUBCAPSULAR, WITH MICROCORNEA; CATARACT 1, STELLATE NUCLEAR, WITH MICROCORNEA; CATARACT 1, MULTIPLE TYPES, WITH OR WITHOUT MICROCORNEA; CATARACT 1, NUCLEAR PROGRESSIVE; CATARACT 1 WITH MICROCORNEA. Identifiers: Orphanet 1377, MedGen C1861828, MONDO:0007285, OMIM 116200.

Submissions (2):

Lilac Insights Private Limited
Classification: Uncertain significance for Cataract 1 multiple types. Last evaluated: 2016-09-21. Review status: criteria provided, single submitter. Criteria: ACMG Guidelines, 2015. Collection method: clinical testing. Allele origin: germline. Inheritance: Autosomal dominant inheritance. Affected: yes. Observed: 3 variant alleles, 3 heterozygotes.
Comment: This variant has been labelled as 'variant of unknown significance with probable damaging effect' (VUSD).

Lilac Insights Private Limited
Classification: Uncertain significance for Microphthalmia and cataract. Last evaluated: 2016-09-21. Review status: no assertion criteria provided. Collection method: clinical testing. Allele origin: germline. Affected: yes. Observed: 2 variant alleles. Not counted in ClinVar's aggregate classification.